The following is an entry in ClinVar:

NM_001458.5(FLNC):c.6428A>G (p.Gln2143Arg)

Genes: FLNC-AS1 (FLNC antisense RNA 1; minus strand), FLNC (filamin C; plus strand). Cytogenetic location: 7q32.1.
Variant type: single nucleotide variant.
Coding change: c.6428A>G on transcript NM_001458.5 (MANE Select); coding-DNA position 6428, A replaced by G.
Protein change: p.Gln2143Arg; replaces glutamine 2143 with arginine.
Molecular consequence: missense variant.
Genome position (GRCh38, 1-based): chr7:128,853,781, A>G. VCF-style: chr7-128853781-A-G. GRCh37 (hg19) VCF-style: chr7-128493835-A-G.
Other names: c.6329A>G, p.Gln2110Arg (NM_001127487.2); short protein forms Q2143R, Q2110R.
Identifiers: ClinVar variation 864634 (VCV000864634.12), dbSNP rs774715089, ClinGen allele CA4475978.

ClinVar aggregate classification (germline): Conflicting classifications of pathogenicity. Review status: criteria provided, conflicting classifications (1 of 4 stars). 2 submissions from 2 submitters: Uncertain significance (1); Likely benign (1). Last evaluated 2025-11-12.

Conditions:
Myofibrillar myopathy 5. Also called: Filaminopathy (type); FILAMINOPATHY, AUTOSOMAL DOMINANT. Identifiers: Orphanet 171445, MedGen C1836050, MONDO:0012289, OMIM 609524.
Distal myopathy with posterior leg and anterior hand involvement. Also called: WILLIAMS DISTAL MYOPATHY. Identifiers: Orphanet 63273, MedGen C3279722, MONDO:0013550, OMIM 614065.
Hypertrophic cardiomyopathy 26. Also called: Cardiomyopathy, familial hypertrophic, 26. Identifiers: Orphanet 75249, MedGen C4310749, MONDO:0014883, OMIM 617047.
Cardiovascular phenotype. Identifiers: MedGen CN230736.

Allele frequency attached by ClinVar (database versions not stated): gnomAD below 0.00001 and 0.00001; gnomAD exomes 0.00001 and 0.00002; TOPMed 0.00001; ExAC 0.00003.
gnomAD v4.1: 11 of 1,613,696 alleles (0.00068%); highest among the groups gnomAD compares: South Asian, 0.012%; no homozygotes.

Submissions (2):

Labcorp Genetics (formerly Invitae), Labcorp
Classification: Likely benign for Distal myopathy with posterior leg and anterior hand involvement; Myofibrillar myopathy 5; Hypertrophic cardiomyopathy 26. Last evaluated: 2025-11-12. Review status: criteria provided, single submitter. Criteria: Invitae Variant Classification Sherloc (09022015). Collection method: clinical testing. Allele origin: germline.

Ambry Genetics
Classification: Uncertain significance for Cardiovascular phenotype. Last evaluated: 2024-10-28. Review status: criteria provided, single submitter. Criteria: Ambry Variant Classification Scheme 2023. Collection method: clinical testing. Allele origin: germline.
Comment: The p.Q2143R variant (also known as c.6428A>G), located in coding exon 39 of the FLNC gene, results from an A to G substitution at nucleotide position 6428. The glutamine at codon 2143 is replaced by arginine, an amino acid with highly similar properties. This amino acid position is conserved. In addition, this alteration is predicted to be tolerated by in silico analysis. Based on the available evidence, the clinical significance of this variant remains unclear.